The following is an entry in ClinVar:

ClinVar aggregate classification (germline): Likely benign. Review status: criteria provided, multiple submitters, no conflicts (2 of 4 stars). 4 submissions from 4 submitters: Likely benign (3). 1 of the submissions does not count toward it. Last evaluated 2026-01-02.

Conditions:
TMEM126B-related disorder. Also called: TMEM126B-related condition.

Allele frequency attached by ClinVar (database versions not stated): gnomAD 0.00025 and 0.00026; gnomAD exomes 0.00027 and 0.00040; 1000 Genomes Project 30x 0.00031; ExAC 0.00031; ESP Exome Variant Server 0.00031; 1000 Genomes Project 0.00040.

Submissions (4):

Labcorp Genetics (formerly Invitae), Labcorp
Classification: Likely benign. Last evaluated: 2026-01-02. Review status: criteria provided, single submitter. Criteria: Invitae Variant Classification Sherloc (09022015). Collection method: clinical testing. Allele origin: germline.

Blueprint Genetics
Classification: Likely benign. Last evaluated: 2024-09-13. Review status: criteria provided, single submitter. Criteria: ACMG Guidelines, 2015. Collection method: clinical testing. Allele origin: germline.

GeneDx
Classification: Likely benign. Last evaluated: 2024-02-21. Review status: criteria provided, single submitter. Criteria: GeneDx Variant Classification Process June 2021. Collection method: clinical testing. Allele origin: germline. Affected: yes.
Comment: See Variant Classification Assertion Criteria.

PreventionGenetics, part of Exact Sciences
Classification: Likely benign for TMEM126B-related condition. Last evaluated: 2021-02-10. Review status: no assertion criteria provided. Collection method: clinical testing. Allele origin: germline. Not counted in ClinVar's aggregate classification.
Comment: This variant is classified as likely benign based on ACMG/AMP sequence variant interpretation guidelines (Richards et al. 2015 PMID: 25741868, with internal and published modifications).

NM_018480.7(TMEM126B):c.125C>T (p.Ser42Phe)

Gene: TMEM126B (transmembrane protein 126B; plus strand). Cytogenetic location: 11q14.1.
Variant type: single nucleotide variant.
Coding change: c.125C>T on transcript NM_018480.7 (MANE Select); coding-DNA position 125, C replaced by T.
Protein change: p.Ser42Phe; replaces serine 42 with phenylalanine.
Molecular consequence: missense variant. On other transcripts: non-coding transcript variant (2), intron variant (2).
Genome position (GRCh38, 1-based): chr11:85,631,730, C>T. VCF-style: chr11-85631730-C-T. GRCh37 (hg19) VCF-style: chr11-85342774-C-T.
Other names: c.65C>T, p.Ser22Phe (NM_001193537.3, NM_001350395.2); c.35C>T, p.Ser12Phe (NM_001193538.3, NM_001256546.2, NM_001350396.2); c.125C>T, p.Ser42Phe (NM_001350394.2); c.66-2356C>T (NM_001256547.2); c.82-2356C>T (NM_001350393.1); short protein forms S12F, S22F, S42F.
Identifiers: ClinVar variation 1203741 (VCV001203741.15), dbSNP rs143403924, ClinGen allele CA6212370.